The following is an entry in ClinVar:

NM_000059.4(BRCA2):c.1975T>G (p.Leu659Val)

Gene: BRCA2 (BRCA2 DNA repair associated; plus strand). Cytogenetic location: 13q13.1.
Variant type: single nucleotide variant.
Coding change: c.1975T>G on transcript NM_000059.4 (MANE Select); coding-DNA position 1975, T replaced by G.
Protein change: p.Leu659Val; replaces leucine 659 with valine.
Molecular consequence: missense variant. On other transcripts: non-coding transcript variant (1), intron variant (2).
Genome position (GRCh38, 1-based): chr13:32,336,330, T>G. VCF-style: chr13-32336330-T-G. GRCh37 (hg19) VCF-style: chr13-32910467-T-G.
Other names: c.1975T>G, p.Leu659Val (NM_001406719.1, NM_001406720.1, NM_001432077.1); c.1909+2943T>G (NM_001406721.1); c.424+5300T>G (NM_001406722.1); short protein forms L659V.
Identifiers: ClinVar variation 4629338 (VCV004629338.1).
Genomic context (GRCh38, chr13:32,336,330, plus strand): 5'-TTGCATTCTTCTGTGAAAAGAAGCTGTTCACAGAATGATTCTGAAGAACCAACTTTGTCC[T>G]TAACTAGCTCTTTTGGGACAATTCTGAGGAAATGTTCTAGAAATGAAACATGTTCTAATA-3'
Protein context (NP_000050.3, residues 649-669): QNDSEEPTLS[Leu659Val]TSSFGTILRK

ClinVar aggregate classification (germline): Uncertain significance (1 of 4 stars; one submission).

Conditions:
Hereditary cancer-predisposing syndrome. Also called: Neoplastic Syndromes, Hereditary; Tumor predisposition; Hereditary Cancer Syndrome; Hereditary neoplastic syndrome. Identifiers: Orphanet 140162, MedGen C0027672, MeSH D009386, MONDO:0015356.

Submission:

Ambry Genetics
Classification: Uncertain significance for Hereditary cancer-predisposing syndrome. Last evaluated: 2025-11-24. Review status: criteria provided, single submitter. Criteria: Ambry Variant Classification Scheme 2023. Collection method: clinical testing. Allele origin: germline.
Comment: The p.L659V variant (also known as c.1975T>G), located in coding exon 10 of the BRCA2 gene, results from a T to G substitution at nucleotide position 1975. The leucine at codon 659 is replaced by valine, an amino acid with highly similar properties. This amino acid position is conserved. In addition, this alteration is predicted to be tolerated by in silico analysis. Based on the available evidence, the clinical significance of this variant remains unclear.